The following is an entry in ClinVar:

NM_000246.4(CIITA):c.160A>G (p.Met54Val)

Gene: CIITA (class II major histocompatibility complex transactivator; plus strand). Cytogenetic location: 16p13.13.
Variant type: single nucleotide variant.
Coding change: c.160A>G on transcript NM_000246.4 (MANE Select); coding-DNA position 160, A replaced by G.
Protein change: p.Met54Val; replaces methionine 54 with valine.
Molecular consequence: missense variant. On other transcripts: non-coding transcript variant (1).
Genome position (GRCh38, 1-based): chr16:10,895,389, A>G. VCF-style: chr16-10895389-A-G. GRCh37 (hg19) VCF-style: chr16-10989246-A-G.
Other names: c.160A>G, p.Met54Val (NM_001286402.1, NM_001286403.2, NM_001379330.1 and 3 more transcripts); c.88A>G, p.Met30Val (NM_001379334.1); short protein forms M54V, M30V.
Identifiers: ClinVar variation 1377704 (VCV001377704.5), dbSNP rs375944925, ClinGen allele CA7899584.

ClinVar aggregate classification (germline): Uncertain significance (1 of 4 stars; one submission).

Conditions:
MHC class II deficiency. Also called: BLS, TYPE II; Bare lymphocyte syndrome 2. Identifiers: Orphanet 572, MedGen C5447452, MONDO:0008855.

Allele frequency attached by ClinVar (database versions not stated): gnomAD exomes 0.00001 and 0.00002; ExAC 0.00002; TOPMed 0.00003; gnomAD 0.00004; ESP Exome Variant Server 0.00008.
gnomAD v4.1: 26 of 1,613,898 alleles (0.0016%); highest among the groups gnomAD compares: Non-Finnish European, 0.0021%; no homozygotes.

Submission:

Labcorp Genetics (formerly Invitae), Labcorp
Classification: Uncertain significance for MHC class II deficiency. Last evaluated: 2022-03-19. Review status: criteria provided, single submitter. Criteria: Invitae Variant Classification Sherloc (09022015). Collection method: clinical testing. Allele origin: germline.
Comment: This sequence change replaces methionine, which is neutral and non-polar, with valine, which is neutral and non-polar, at codon 54 of the CIITA protein (p.Met54Val). This variant is present in population databases (rs375944925, gnomAD 0.007%). This variant has not been reported in the literature in individuals affected with CIITA-related conditions. Algorithms developed to predict the effect of missense changes on protein structure and function output the following: SIFT: "Tolerated"; PolyPhen-2: "Benign"; Align-GVGD: "Class C0". The valine amino acid residue is found in multiple mammalian species, which suggests that this missense change does not adversely affect protein function. Algorithms developed to predict the effect of sequence changes on RNA splicing suggest that this variant may create or strengthen a splice site. In summary, the available evidence is currently insufficient to determine the role of this variant in disease. Therefore, it has been classified as a Variant of Uncertain Significance.